The following is an entry in ClinVar:

NM_017534.6(MYH2):c.1241T>C (p.Val414Ala)

Genes: MYH2 (myosin heavy chain 2; minus strand), MYHAS (myosin heavy chain gene cluster antisense RNA; plus strand). Cytogenetic location: 17p13.1.
Variant type: single nucleotide variant.
Coding change: c.1241T>C on transcript NM_017534.6 (MANE Select); coding-DNA position 1241, T replaced by C.
Protein change: p.Val414Ala; replaces valine 414 with alanine.
Molecular consequence: missense variant.
Genome position (GRCh38, 1-based): chr17:10,539,469, A>G on the plus strand (T>C on the coding strand, the complement: MYH2 is on the minus strand). VCF-style: chr17-10539469-A-G. GRCh37 (hg19) VCF-style: chr17-10442786-A-G.
Other names: c.1241T>C, p.Val414Ala (NM_001100112.2); short protein forms V414A.
Identifiers: ClinVar variation 933762 (VCV000933762.7), dbSNP rs2073524537, ClinGen allele CA398161107.

ClinVar aggregate classification (germline): Uncertain significance (1 of 4 stars; one submission).

Conditions:
Myopathy, proximal, and ophthalmoplegia (CMYO6). Also called: INCLUSION BODY MYOPATHY 3, AUTOSOMAL DOMINANT; CONGENITAL MYOPATHY 6 WITH OPHTHALMOPLEGIA; MYOPATHY WITH CONGENITAL JOINT CONTRACTURES, OPHTHALMOPLEGIA, AND RIMMED VACUOLES. Identifiers: Orphanet 363677, Orphanet 79091, MedGen C1854106, MONDO:0011577, OMIM 605637.

Allele frequency attached by ClinVar (database versions not stated): gnomAD exomes below 0.00001.
gnomAD v4.1: 2 of 1,614,198 alleles (0.00012%); highest among the groups gnomAD compares: Non-Finnish European, 0.00017%; no homozygotes.

Submission:

Labcorp Genetics (formerly Invitae), Labcorp
Classification: Uncertain significance for Myopathy, proximal, and ophthalmoplegia. Last evaluated: 2019-09-16. Review status: criteria provided, single submitter. Criteria: Invitae Variant Classification Sherloc (09022015). Collection method: clinical testing. Allele origin: germline.
Comment: This variant is not present in population databases (ExAC no frequency). This variant has not been reported in the literature in individuals with MYH2-related conditions. Algorithms developed to predict the effect of missense changes on protein structure and function (SIFT, PolyPhen-2, Align-GVGD) all suggest that this variant is likely to be disruptive, but these predictions have not been confirmed by published functional studies and their clinical significance is uncertain. In summary, the available evidence is currently insufficient to determine the role of this variant in disease. Therefore, it has been classified as a Variant of Uncertain Significance. This sequence change replaces valine with alanine at codon 414 of the MYH2 protein (p.Val414Ala). The valine residue is highly conserved and there is a small physicochemical difference between valine and alanine.